The following is an entry in ClinVar:

ClinVar aggregate classification (germline): Likely benign. Review status: criteria provided, multiple submitters, no conflicts (2 of 4 stars). 9 submissions from 9 submitters: Likely benign (8). 1 of the submissions does not count toward it. Last evaluated 2026-02-19.

Conditions:
Waardenburg syndrome type 4B (WS4B). Also called: WAARDENBURG SYNDROME, TYPE 4B, WITH HIRSCHSPRUNG DISEASE. Identifiers: Orphanet 897, MedGen C2750457, MONDO:0013201, OMIM 613265.
Hirschsprung disease, susceptibility to, 4. Identifiers: Orphanet 388, MedGen C3150975, MONDO:0013384, OMIM 613712.

Allele frequency attached by ClinVar (database versions not stated): gnomAD exomes 0.00018 and 0.00039; ExAC 0.00047; 1000 Genomes Project 0.00140; 1000 Genomes Project 30x 0.00141; gnomAD 0.00156 and 0.00164; TOPMed 0.00156.
gnomAD v4.1: 517 of 1,613,938 alleles (0.032%); highest among the groups gnomAD compares: African/African-American, 0.52%; 4 homozygotes.

Submissions (9):

Women's Health and Genetics/Laboratory Corporation of America, LabCorp
Classification: Likely benign. Last evaluated: 2026-02-19. Review status: criteria provided, single submitter. Criteria: LabCorp Variant Classification Summary - May 2015. Collection method: clinical testing. Allele origin: germline.
Comment: Variant summary: EDN3 c.670G>A (p.Ala224Thr) results in a non-conservative amino acid change in the encoded protein sequence. Algorithms developed to predict the effect of missense changes on protein structure and function are either unavailable or do not agree on the potential impact of this missense change. The variant allele was found at a frequency of 0.00039 in 251162 control chromosomes, predominantly at a frequency of 0.0048 within the African or African-American subpopulation in the gnomAD database. The observed variant frequency within African or African-American control individuals in the gnomAD database exceeds the estimated maximal expected allele frequency for disease-causing variants in EDN3. c.670G>A has been observed in individual(s) affected with Hirschsprung Disease, Susceptibility To, 4 (Bidaud_1997). These report(s) do not provide unequivocal conclusions about association of the variant with Hirschsprung Disease, Susceptibility To, 4. To our knowledge, no experimental evidence demonstrating an impact on protein function has been reported. The following publications have been ascertained in the context of this evaluation (PMID: 9587491, 9359047). ClinVar contains an entry for this variant (Variation ID: 16647). Based on the evidence outlined above, the variant was classified as likely benign.

Labcorp Genetics (formerly Invitae), Labcorp
Classification: Likely benign. Last evaluated: 2026-01-15. Review status: criteria provided, single submitter. Criteria: Invitae Variant Classification Sherloc (09022015). Collection method: clinical testing. Allele origin: germline.

Blueprint Genetics
Classification: Likely benign. Last evaluated: 2024-10-04. Review status: criteria provided, single submitter. Criteria: ACMG Guidelines, 2015. Collection method: clinical testing. Allele origin: germline.

GeneDx
Classification: Likely benign. Last evaluated: 2021-05-25. Review status: criteria provided, single submitter. Criteria: GeneDx Variant Classification Process June 2021. Collection method: clinical testing. Allele origin: germline. Affected: yes.
Comment: In silico analysis, which includes protein predictors and evolutionary conservation, supports that this variant does not alter protein structure/function; Splice predictors are inconclusive as to whether the variant alters gene splicing. In the absence of RNA/functional studies, the actual effect of this sequence change is unknown.; Observed in a patient with Hirschsprung disease in published literaure; however, this variant was also observed in the unaffected mother of this individual (Bidaud et al., 1997); This variant is associated with the following publications: (PMID: 9359047, 9359036, 9587491, 22995991)

Mendelics
Classification: Likely benign for Waardenburg syndrome type 4B. Last evaluated: 2019-05-28. Review status: criteria provided, single submitter. Criteria: Mendelics Assertion Criteria 2017. Collection method: clinical testing. Allele origin: unknown.

Eurofins Ntd Llc (ga)
Classification: Likely benign. Last evaluated: 2017-08-11. Review status: criteria provided, single submitter. Criteria: EGL Classification Definitions 2015. Collection method: clinical testing. Allele origin: germline. Observed: 3 variant alleles, 3 heterozygotes.

Laboratory for Molecular Medicine, Mass General Brigham Personalized Medicine
Classification: Likely benign. Last evaluated: 2015-10-07. Review status: criteria provided, single submitter. Criteria: LMM Criteria. Collection method: clinical testing. Allele origin: germline. Observed: 1 variant allele.
Comment: p.Ala210Thr in exon 4 of EDN3: This variant is not expected to have clinical sig nificance because it has been identified in 0.5% (49/10242) of African chromosom es by the Exome Aggregation Consortium (ExAC; rs 11570351).

PreventionGenetics, part of Exact Sciences
Classification: Likely benign. Review status: criteria provided, single submitter. Criteria: ACMG Guidelines, 2015. Collection method: clinical testing. Allele origin: germline.

OMIM
Classification: risk factor for HIRSCHSPRUNG DISEASE, SUSCEPTIBILITY TO, 4. Last evaluated: 1997-07-01. Review status: no assertion criteria provided. Collection method: literature only. Allele origin: germline. Not counted in ClinVar's aggregate classification.

Literature cited by the submitters: PubMed 9587491 (cited by Women's Health and Genetics/Laboratory Corporation of America, LabCorp and Laboratory for Molecular Medicine, Mass General Brigham Personalized Medicine); PubMed 9359047 (cited by Women's Health and Genetics/Laboratory Corporation of America, LabCorp and OMIM).

NM_207034.3(EDN3):c.670G>A (p.Ala224Thr)

Gene: EDN3 (endothelin 3; plus strand). Cytogenetic location: 20q13.32.
Variant type: single nucleotide variant.
Coding change: c.670G>A on transcript NM_207034.3 (MANE Select); coding-DNA position 670, G replaced by A.
Protein change: p.Ala224Thr; replaces alanine 224 with threonine.
Molecular consequence: missense variant. On other transcripts: 3 prime UTR variant (3).
Genome position (GRCh38, 1-based): chr20:59,324,412, G>A. VCF-style: chr20-59324412-G-A. GRCh37 (hg19) VCF-style: chr20-57899467-G-A.
Other names: c.*77G>A (NM_001302455.2); c.*45G>A (NM_001302456.2, NM_207032.3); c.628G>A, p.Ala210Thr (NM_207033.3); short protein forms A224T, A210T.
Identifiers: ClinVar variation 16647 (VCV000016647.24), dbSNP rs11570351, ClinGen allele CA126749.